The following is an entry in ClinVar:

NM_000338.3(SLC12A1):c.1918G>A (p.Val640Ile)

Genes: SLC12A1 (solute carrier family 12 member 1; plus strand), LOC126862123 (CDK7 strongly-dependent group 2 enhancer GRCh37_chr15:48543423-48544622; plus strand). Cytogenetic location: 15q21.1.
Variant type: single nucleotide variant.
Coding change: c.1918G>A on transcript NM_000338.3 (MANE Select); coding-DNA position 1918, G replaced by A.
Protein change: p.Val640Ile; replaces valine 640 with isoleucine.
Molecular consequence: missense variant.
Genome position (GRCh38, 1-based): chr15:48,251,746, G>A. VCF-style: chr15-48251746-G-A. GRCh37 (hg19) VCF-style: chr15-48543943-G-A.
Other names: c.1918G>A, p.Val640Ile (NM_001184832.2, NM_001384136.1); short protein forms V640I.
Identifiers: ClinVar variation 1990118 (VCV001990118.1), dbSNP rs201443149, ClinGen allele CA7547226.

ClinVar aggregate classification (germline): Uncertain significance (1 of 4 stars; one submission).

Allele frequency attached by ClinVar (database versions not stated): gnomAD 0.00002; gnomAD exomes 0.00003; TOPMed 0.00003; ExAC 0.00005; 1000 Genomes Project 30x 0.00016; 1000 Genomes Project 0.00020.
gnomAD v4.1: 42 of 1,613,840 alleles (0.0026%); highest among the groups gnomAD compares: Admixed American, 0.022%; no homozygotes.

Submission:

Labcorp Genetics (formerly Invitae), Labcorp
Classification: Uncertain significance. Last evaluated: 2022-08-16. Review status: criteria provided, single submitter. Criteria: Invitae Variant Classification Sherloc (09022015). Collection method: clinical testing. Allele origin: germline.
Comment: This sequence change replaces valine, which is neutral and non-polar, with isoleucine, which is neutral and non-polar, at codon 640 of the SLC12A1 protein (p.Val640Ile). This variant is present in population databases (rs201443149, gnomAD 0.03%). This variant has not been reported in the literature in individuals affected with SLC12A1-related conditions. Algorithms developed to predict the effect of missense changes on protein structure and function output the following: SIFT: "Tolerated"; PolyPhen-2: "Benign"; Align-GVGD: "Class C0". The isoleucine amino acid residue is found in multiple mammalian species, which suggests that this missense change does not adversely affect protein function. In summary, the available evidence is currently insufficient to determine the role of this variant in disease. Therefore, it has been classified as a Variant of Uncertain Significance.